The following is an entry in ClinVar:

NM_006060.6(IKZF1):c.1064C>T (p.Ala355Val)

Gene: IKZF1 (IKAROS family zinc finger 1; plus strand). Cytogenetic location: 7p12.2.
Variant type: single nucleotide variant.
Coding change: c.1064C>T on transcript NM_006060.6 (MANE Select); coding-DNA position 1064, C replaced by T.
Protein change: p.Ala355Val; replaces alanine 355 with valine.
Molecular consequence: missense variant.
Genome position (GRCh38, 1-based): chr7:50,400,131, C>T. VCF-style: chr7-50400131-C-T. GRCh37 (hg19) VCF-style: chr7-50467829-C-T.
Other names: c.938C>T, p.Ala313Val (NM_001220765.3, NM_001291837.2); c.773C>T, p.Ala258Val (NM_001220767.2); c.803C>T, p.Ala268Val (NM_001220768.2, NM_001291838.2); c.647C>T, p.Ala216Val (NM_001220770.2); c.635C>T, p.Ala212Val (NM_001220771.2, NM_001291841.1); c.677C>T, p.Ala226Val (NM_001291839.2); c.374C>T, p.Ala125Val (NM_001291840.1); c.605C>T, p.Ala202Val (NM_001291842.1); and 3 more; short protein forms A268V, A355V, A160V, A375V, A170V, A313V, A125V, A202V.
Identifiers: ClinVar variation 1977641 (VCV001977641.5), dbSNP rs1817755606, ClinGen allele CA367524347.

ClinVar aggregate classification (germline): Uncertain significance (1 of 4 stars; one submission).

Allele frequency attached by ClinVar (database versions not stated): gnomAD exomes below 0.00001; TOPMed 0.00001.
gnomAD v4.1: 2 of 1,562,962 alleles (0.00013%); highest among the groups gnomAD compares: Non-Finnish European, 0.000087%; no homozygotes.

Submission:

Labcorp Genetics (formerly Invitae), Labcorp
Classification: Uncertain significance. Last evaluated: 2022-09-27. Review status: criteria provided, single submitter. Criteria: Invitae Variant Classification Sherloc (09022015). Collection method: clinical testing. Allele origin: germline.
Comment: This variant has not been reported in the literature in individuals affected with IKZF1-related conditions. This sequence change replaces alanine, which is neutral and non-polar, with valine, which is neutral and non-polar, at codon 355 of the IKZF1 protein (p.Ala355Val). This variant is not present in population databases (gnomAD no frequency). Algorithms developed to predict the effect of missense changes on protein structure and function are either unavailable or do not agree on the potential impact of this missense change (SIFT: "Not Available"; PolyPhen-2: "Benign"; Align-GVGD: "Not Available"). In summary, the available evidence is currently insufficient to determine the role of this variant in disease. Therefore, it has been classified as a Variant of Uncertain Significance.